The following is an entry in ClinVar:

ClinVar aggregate classification (germline): Conflicting classifications of pathogenicity. Review status: criteria provided, conflicting classifications (1 of 4 stars). 7 submissions from 7 submitters: Uncertain significance (1); Likely benign (6). Last evaluated 2026-07-01.

Conditions:
Megaconial type congenital muscular dystrophy (MDCMC). Also called: CHKB-Related Muscular Dystrophy; CHKB-Related Muscle Diseases; MUSCULAR DYSTROPHY, CONGENITAL, WITH MITOCHONDRIAL STRUCTURAL ABNORMALITIES. Identifiers: Orphanet 280671, MedGen C1865233, MONDO:0011246, OMIM 602541.

Allele frequency attached by ClinVar (database versions not stated): ExAC 0.00137; gnomAD 0.00138 and 0.00141; ESP Exome Variant Server 0.00146; TOPMed 0.00150; gnomAD exomes 0.00157 and 0.00201; 1000 Genomes Project 30x 0.00203; 1000 Genomes Project 0.00220.
gnomAD v4.1: 3,184 of 1,613,962 alleles (0.2%); highest among the groups gnomAD compares: Non-Finnish European, 0.23%; 11 homozygotes.

Submissions (7):

CeGaT Center for Human Genetics Tuebingen
Classification: Likely benign. Last evaluated: 2026-07-01. Review status: criteria provided, single submitter. Criteria: CeGaT Center For Human Genetics Tuebingen Variant Classification Criteria Version 2. Collection method: clinical testing. Allele origin: germline. Affected: yes. Observed: 8 variant alleles.
Comment: CHKB: BP4, BP7

Labcorp Genetics (formerly Invitae), Labcorp
Classification: Likely benign for Megaconial type congenital muscular dystrophy. Last evaluated: 2026-01-28. Review status: criteria provided, single submitter. Criteria: Invitae Variant Classification Sherloc (09022015). Collection method: clinical testing. Allele origin: germline.

Blueprint Genetics
Classification: Likely benign. Last evaluated: 2024-11-26. Review status: criteria provided, single submitter. Criteria: ACMG Guidelines, 2015. Collection method: clinical testing. Allele origin: germline.

GeneDx
Classification: Likely benign. Last evaluated: 2021-05-12. Review status: criteria provided, single submitter. Criteria: GeneDx Variant Classification Process June 2021. Collection method: clinical testing. Allele origin: germline. Affected: yes.

Athena Diagnostics
Classification: Likely benign. Last evaluated: 2018-06-26. Review status: criteria provided, single submitter. Criteria: Athena Diagnostics Criteria. Collection method: clinical testing. Allele origin: germline.

Illumina Laboratory Services, Illumina
Classification: Uncertain significance for Megaconial type congenital muscular dystrophy. Last evaluated: 2018-01-13. Review status: criteria provided, single submitter. Criteria: ICSL Variant Classification Criteria 13 December 2019. Collection method: clinical testing. Allele origin: germline.

PreventionGenetics, part of Exact Sciences
Classification: Likely benign. Review status: criteria provided, single submitter. Criteria: ACMG Guidelines, 2015. Collection method: clinical testing. Allele origin: germline.

NM_005198.5(CHKB):c.457T>C (p.Leu153=)

Genes: CHKB (choline kinase beta; minus strand), CHKB-CPT1B (CHKB-CPT1B readthrough (NMD candidate); minus strand). Cytogenetic location: 22q13.33.
Variant type: single nucleotide variant.
Coding change: c.457T>C on transcript NM_005198.5 (MANE Select); coding-DNA position 457, T replaced by C.
Protein change: p.Leu153=; no amino-acid change (leucine 153 retained).
Molecular consequence: synonymous variant. On other transcripts: non-coding transcript variant (1).
Genome position (GRCh38, 1-based): chr22:50,581,544, A>G on the plus strand (T>C on the coding strand, the complement: CHKB is on the minus strand). VCF-style: chr22-50581544-A-G. GRCh37 (hg19) VCF-style: chr22-51019973-A-G.
Identifiers: ClinVar variation 259659 (VCV000259659.44), dbSNP rs146693439, ClinGen allele CA10323764.